The following is an entry in ClinVar:

ClinVar aggregate classification (germline): Uncertain significance (1 of 4 stars; one submission).

Allele frequency attached by ClinVar (database versions not stated): gnomAD exomes below 0.00001 and 0.00001; ExAC 0.00001.
gnomAD v4.1: 5 of 1,210,623 alleles (0.00041%); highest among the groups gnomAD compares: Admixed American, 0.0022%; no homozygotes.

Submission:

Labcorp Genetics (formerly Invitae), Labcorp
Classification: Uncertain significance. Last evaluated: 2021-09-26. Review status: criteria provided, single submitter. Criteria: Invitae Variant Classification Sherloc (09022015). Collection method: clinical testing. Allele origin: germline.
Comment: In summary, the available evidence is currently insufficient to determine the role of this variant in disease. Therefore, it has been classified as a Variant of Uncertain Significance. Algorithms developed to predict the effect of missense changes on protein structure and function are either unavailable or do not agree on the potential impact of this missense change (SIFT: "Deleterious"; PolyPhen-2: "Possibly Damaging"; Align-GVGD: "Class C15"). This variant has not been reported in the literature in individuals affected with COL4A6-related conditions. This variant is present in population databases (rs757442108, ExAC 0.01%). This sequence change replaces threonine with asparagine at codon 671 of the COL4A6 protein (p.Thr671Asn). The threonine residue is weakly conserved and there is a small physicochemical difference between threonine and asparagine.

NM_033641.4(COL4A6):c.2009C>A (p.Thr670Asn)

Gene: COL4A6 (collagen type IV alpha 6 chain; minus strand). Cytogenetic location: Xq22.3.
Variant type: single nucleotide variant.
Coding change: c.2009C>A on transcript NM_033641.4 (MANE Select); coding-DNA position 2009, C replaced by A.
Protein change: p.Thr670Asn; replaces threonine 670 with asparagine.
Molecular consequence: missense variant.
Genome position (GRCh38, 1-based): chrX:108,180,911, G>T on the plus strand (C>A on the coding strand, the complement: COL4A6 is on the minus strand). VCF-style: chrX-108180911-G-T. GRCh37 (hg19) VCF-style: chrX-107424141-G-T.
Other names: c.2060C>A, p.Thr687Asn (NM_001287758.2); c.2009C>A, p.Thr670Asn (NM_001287759.2, NM_001287760.2); c.2012C>A, p.Thr671Asn (NM_001847.4); short protein forms T671N, T670N, T687N.
Identifiers: ClinVar variation 1463856 (VCV001463856.6), dbSNP rs757442108, ClinGen allele CA10487713.